The following is an entry in ClinVar:

ClinVar aggregate classification (germline): Conflicting classifications of pathogenicity. Review status: criteria provided, conflicting classifications (1 of 4 stars). 2 submissions from 2 submitters: Uncertain significance (1); Likely benign (1). Last evaluated 2025-06-12.

gnomAD v4.1: 27 of 1,613,404 alleles (0.0017%); highest among the groups gnomAD compares: African/African-American, 0.032%; no homozygotes.

Submissions (2):

Labcorp Genetics (formerly Invitae), Labcorp
Classification: Uncertain significance. Last evaluated: 2025-06-12. Review status: criteria provided, single submitter. Criteria: Invitae Variant Classification Sherloc (09022015). Collection method: clinical testing. Allele origin: germline.
Comment: This sequence change replaces alanine, which is neutral and non-polar, with serine, which is neutral and polar, at codon 395 of the PPM1F protein (p.Ala395Ser). This variant is present in population databases (rs146460819, gnomAD 0.03%). This variant has not been reported in the literature in individuals affected with PPM1F-related conditions. ClinVar contains an entry for this variant (Variation ID: 3782377). An algorithm developed to predict the effect of missense changes on protein structure and function outputs the following: PolyPhen-2: "Possibly Damaging". The serine amino acid residue is found in multiple mammalian species, which suggests that this missense change does not adversely affect protein function. In summary, the available evidence is currently insufficient to determine the role of this variant in disease. Therefore, it has been classified as a Variant of Uncertain Significance.

Ambry Genetics
Classification: Likely benign. Last evaluated: 2025-02-20. Review status: criteria provided, single submitter. Criteria: Ambry Variant Classification Scheme 2023. Collection method: clinical testing. Allele origin: germline.

NM_014634.4(PPM1F):c.1183G>T (p.Ala395Ser)

Gene: PPM1F (protein phosphatase, Mg2+/Mn2+ dependent 1F; minus strand). Cytogenetic location: 22q11.22.
Variant type: single nucleotide variant.
Coding change: c.1183G>T on transcript NM_014634.4 (MANE Select); coding-DNA position 1183, G replaced by T.
Protein change: p.Ala395Ser; replaces alanine 395 with serine.
Molecular consequence: missense variant.
Genome position (GRCh38, 1-based): chr22:21,923,274, C>A on the plus strand (G>T on the coding strand, the complement: PPM1F is on the minus strand). VCF-style: chr22-21923274-C-A. GRCh37 (hg19) VCF-style: chr22-22277647-C-A.
Other names: c.679G>T, p.Ala227Ser (NM_001410836.1); short protein forms A227S, A395S.
Identifiers: ClinVar variation 3782377 (VCV003782377.2).